The following is an entry in ClinVar:

NM_152743.4(BRAT1):c.1528T>C (p.Cys510Arg)

Gene: BRAT1 (BRCA1 associated ATM activator 1; minus strand). Cytogenetic location: 7p22.3.
Variant type: single nucleotide variant.
Coding change: c.1528T>C on transcript NM_152743.4 (MANE Select); coding-DNA position 1528, T replaced by C.
Protein change: p.Cys510Arg; replaces cysteine 510 with arginine.
Molecular consequence: missense variant. On other transcripts: non-coding transcript variant (1).
Genome position (GRCh38, 1-based): chr7:2,539,613, A>G on the plus strand (T>C on the coding strand, the complement: BRAT1 is on the minus strand). VCF-style: chr7-2539613-A-G. GRCh37 (hg19) VCF-style: chr7-2579247-A-G.
Other names: c.1528T>C, p.Cys510Arg (NM_001350626.2); c.1003T>C, p.Cys335Arg (NM_001350627.2); short protein forms C510R, C335R.
Identifiers: ClinVar variation 647515 (VCV000647515.6), dbSNP rs376165927, ClinGen allele CA366627762.

ClinVar aggregate classification (germline): Uncertain significance (1 of 4 stars; one submission).

Conditions:
Neonatal-onset encephalopathy with rigidity and seizures. Also called: Lethal neonatal spasticity-epileptic encephalopathy syndrome. Identifiers: Orphanet 435845, MedGen C3281029, MONDO:0013784, OMIM 614498.

Allele frequency attached by ClinVar (database versions not stated): gnomAD exomes below 0.00001.
gnomAD v4.1: 8 of 1,594,178 alleles (0.0005%); highest among the groups gnomAD compares: Non-Finnish European, 0.00068%; no homozygotes.

Submission:

Labcorp Genetics (formerly Invitae), Labcorp
Classification: Uncertain significance for Neonatal-onset encephalopathy with rigidity and seizures. Last evaluated: 2022-10-17. Review status: criteria provided, single submitter. Criteria: Invitae Variant Classification Sherloc (09022015). Collection method: clinical testing. Allele origin: germline.
Comment: This sequence change replaces cysteine, which is neutral and slightly polar, with arginine, which is basic and polar, at codon 510 of the BRAT1 protein (p.Cys510Arg). The frequency data for this variant in the population databases is considered unreliable, as metrics indicate poor data quality at this position in the gnomAD database. This variant has not been reported in the literature in individuals affected with BRAT1-related conditions. ClinVar contains an entry for this variant (Variation ID: 647515). Algorithms developed to predict the effect of missense changes on protein structure and function (SIFT, PolyPhen-2, Align-GVGD) all suggest that this variant is likely to be disruptive. In summary, the available evidence is currently insufficient to determine the role of this variant in disease. Therefore, it has been classified as a Variant of Uncertain Significance.